The following is an entry in ClinVar:

NM_015346.4(ZFYVE26):c.5568C>A (p.Cys1856Ter)

Gene: ZFYVE26 (zinc finger FYVE-type containing 26; minus strand). Cytogenetic location: 14q24.1.
Variant type: single nucleotide variant.
Coding change: c.5568C>A on transcript NM_015346.4 (MANE Select); coding-DNA position 5568, C replaced by A.
Protein change: p.Cys1856Ter; replaces cysteine 1856 with a stop codon.
Molecular consequence: nonsense.
Genome position (GRCh38, 1-based): chr14:67,769,647, G>T on the plus strand (C>A on the coding strand, the complement: ZFYVE26 is on the minus strand). VCF-style: chr14-67769647-G-T. GRCh37 (hg19) VCF-style: chr14-68236364-G-T.
Other names: short protein forms C1856*.
Identifiers: ClinVar variation 1725129 (VCV001725129.2), dbSNP rs772482784, ClinGen allele CA390167019.

ClinVar aggregate classification (germline): Likely pathogenic (1 of 4 stars; one submission).

Conditions:
Hereditary spastic paraplegia 15 (SPG15). Also called: SPASTIC PARAPLEGIA 15, AUTOSOMAL RECESSIVE; KJELLIN SYNDROME; SPASTIC PARAPLEGIA AND RETINAL DEGENERATION. Identifiers: Orphanet 100996, MedGen C1849128, MONDO:0010044, OMIM 270700.

Submission:

Myriad Genetics, Inc.
Classification: Likely pathogenic for Hereditary spastic paraplegia 15. Last evaluated: 2022-03-08. Review status: criteria provided, single submitter. Criteria: Myriad Women's Health Autosomal Recessive and X-Linked Classification Criteria (2021). Collection method: clinical testing. Allele origin: unknown.
Comment: NM_015346.3(ZFYVE26):c.5568C>A(C1856*) is expected to be pathogenic in the context of spastic paraplegia type 15. This variant is predicted to lead to an abnormal or absent protein product due to the creation of a premature termination codon in ZFYVE26, a gene where loss-of-function variants are known to be pathogenic. Please note: this variant was assessed in the context of healthy population screening.